The following is an entry in ClinVar:

NM_080680.3(COL11A2):c.687G>A (p.Glu229=)

Gene: COL11A2 (collagen type XI alpha 2 chain; minus strand). Cytogenetic location: 6p21.32.
Variant type: single nucleotide variant.
Coding change: c.687G>A on transcript NM_080680.3 (MANE Select); coding-DNA position 687, G replaced by A.
Protein change: p.Glu229=; no amino-acid change (glutamic acid 229 retained).
Molecular consequence: synonymous variant. On other transcripts: 5 prime UTR variant (3), non-coding transcript variant (1).
Genome position (GRCh38, 1-based): chr6:33,186,738, C>T on the plus strand (G>A on the coding strand, the complement: COL11A2 is on the minus strand). VCF-style: chr6-33186738-C-T. GRCh37 (hg19) VCF-style: chr6-33154515-C-T.
Other names: c.687G>A, p.Glu229= (NM_001163771.2, NM_001424108.1, NM_080679.3 and 1 more transcripts); c.-160G>A (NM_001424109.1, NM_001424110.1, NM_001424111.1).
Identifiers: ClinVar variation 4525776 (VCV004525776.1).

ClinVar aggregate classification (germline): Likely benign (1 of 4 stars; one submission).

Submission:

Women's Health and Genetics/Laboratory Corporation of America, LabCorp
Classification: Likely benign. Last evaluated: 2025-07-18. Review status: criteria provided, single submitter. Criteria: LabCorp Variant Classification Summary - May 2015. Collection method: clinical testing. Allele origin: germline.
Comment: Variant summary: COL11A2 c.687G>A alters a non-conserved nucleotide resulting in a synonymous change. Consensus agreement among computation tools predict no significant impact on normal splicing. However, these predictions have yet to be confirmed by functional studies. The variant was absent in 251488 control chromosomes. The available data on variant occurrences in the general population are insufficient to allow any conclusion about variant significance. To our knowledge, no occurrence of c.687G>A in individuals affected with Otospondylomegaepiphyseal Dysplasia and no experimental evidence demonstrating its impact on protein function have been reported. No submitters have cited clinical-significance assessments for this variant to ClinVar. Based on the evidence outlined above, the variant was classified as likely benign.